The following is an entry in ClinVar:

NM_004714.3(DYRK1B):c.316C>T (p.Arg106Cys)

Gene: DYRK1B (dual specificity tyrosine phosphorylation regulated kinase 1B; minus strand). Cytogenetic location: 19q13.2.
Variant type: single nucleotide variant.
Coding change: c.316C>T on transcript NM_004714.3 (MANE Select); coding-DNA position 316, C replaced by T.
Protein change: p.Arg106Cys; replaces arginine 106 with cysteine.
Molecular consequence: missense variant.
Genome position (GRCh38, 1-based): chr19:39,830,431, G>A on the plus strand (C>T on the coding strand, the complement: DYRK1B is on the minus strand). VCF-style: chr19-39830431-G-A. GRCh37 (hg19) VCF-style: chr19-40321071-G-A.
Other names: c.316C>T, p.Arg106Cys (NM_006483.3, NM_006484.3); short protein forms R106C.
Identifiers: ClinVar variation 4981443 (VCV004981443.1).

ClinVar aggregate classification (germline): Uncertain significance (1 of 4 stars; one submission).

Conditions:
DYRK1B-related disorder. Also called: DYRK1B-related condition.

Submission:

PreventionGenetics, part of Exact Sciences
Classification: Uncertain significance for DYRK1B-related condition. Last evaluated: 2026-04-21. Review status: criteria provided, single submitter. Criteria: ACMG Guidelines, 2015. Collection method: clinical testing. Allele origin: germline.
Comment: The DYRK1B c.316C>T variant is predicted to result in the amino acid substitution p.Arg106Cys. This variant has been reported in an individual with obesity (Anlas et al. 2024. PubMed ID: 40475165). This variant is reported in 0.0050% of alleles in individuals of East Asian descent in gnomAD. At this time, the clinical significance of this variant is uncertain due to the absence of conclusive functional and genetic evidence.